The following is an entry in ClinVar:

ClinVar aggregate classification (germline): Conflicting classifications of pathogenicity. Review status: criteria provided, conflicting classifications (1 of 4 stars). 2 submissions from 2 submitters: Uncertain significance (1); Benign (1). Last evaluated 2026-02-02.

Conditions:
Developmental and epileptic encephalopathy, 1 (DEE1). Also called: X-linked infantile spasms; West's syndrome; Tonic spasms with clustering, arrest of psychomotor development and hypsarrhythmia on EEG; X-Linked Infantile Spasm Syndrome; OHTAHARA SYNDROME, X-LINKED; INFANTILE SPASM SYNDROME, X-LINKED 1. Identifiers: MedGen C3463992, MONDO:0010632, OMIM 308350. Disease mechanism: loss of function.
Intellectual disability, X-linked, with or without seizures, ARX-related. Also called: INTELLECTUAL DEVELOPMENTAL DISORDER, X-LINKED 29; Mental retardation, X-linked 52; MENTAL RETARDATION, X-LINKED 29; MENTAL RETARDATION, X-LINKED 32; MENTAL RETARDATION, X-LINKED 33; MENTAL RETARDATION, X-LINKED 38. Identifiers: Orphanet 777, MedGen C0796244, MONDO:0010317, OMIM 300419.
Inborn genetic diseases. Identifiers: MedGen C0950123, MeSH D030342.

Allele frequency attached by ClinVar (database versions not stated): 1000 Genomes Project 30x 0.00042; gnomAD 0.00001; TOPMed 0.00004; gnomAD exomes below 0.00001.
gnomAD v4.1: 2 of 1,001,176 alleles (0.0002%); highest among the groups gnomAD compares: Admixed American, 0.005%; no homozygotes.

Submissions (2):

Labcorp Genetics (formerly Invitae), Labcorp
Classification: Benign for Developmental and epileptic encephalopathy, 1; Intellectual disability, X-linked, with or without seizures, ARX-related. Last evaluated: 2026-02-02. Review status: criteria provided, single submitter. Criteria: Invitae Variant Classification Sherloc (09022015). Collection method: clinical testing. Allele origin: germline.

Ambry Genetics
Classification: Uncertain significance for Inborn genetic diseases. Last evaluated: 2019-11-26. Review status: criteria provided, single submitter. Criteria: Ambry Variant Classification Scheme 2023. Collection method: clinical testing. Allele origin: germline.
Comment: The p.G196R variant (also known as c.586G>C), located in coding exon 2 of the ARX gene, results from a G to C substitution at nucleotide position 586. The glycine at codon 196 is replaced by arginine, an amino acid with dissimilar properties. This amino acid position is well conserved in available vertebrate species; however, arginine is the reference amino acid in other vertebrate species. In addition, the in silico prediction for this alteration is inconclusive. Since supporting evidence is limited at this time, the clinical significance of this alteration remains unclear.

NM_139058.3(ARX):c.586G>C (p.Gly196Arg)

Gene: ARX (aristaless related homeobox; minus strand). Cytogenetic location: Xp21.3.
Variant type: single nucleotide variant.
Coding change: c.586G>C on transcript NM_139058.3 (MANE Select); coding-DNA position 586, G replaced by C.
Protein change: p.Gly196Arg; replaces glycine 196 with arginine.
Molecular consequence: missense variant.
Genome position (GRCh38, 1-based): chrX:25,013,409, C>G on the plus strand (G>C on the coding strand, the complement: ARX is on the minus strand). VCF-style: chrX-25013409-C-G. GRCh37 (hg19) VCF-style: chrX-25031526-C-G.
Other names: short protein forms G196R.
Identifiers: ClinVar variation 660203 (VCV000660203.9), dbSNP rs1287749285, ClinGen allele CA412612859.
Genomic context (GRCh38, chrX:25,013,409, plus strand): 5'-CCGGGGCGCTGCCCGGGCCGCCGGCCACGCCGAGGCGCTCCTCCGGGTGCGTGACGCCCC[C>G]CGGGCCGCCCAGCTCGTCCAGCGCGGGCGGCGGCGGCACGAAGGGCGCCCCGTTCTCGCG-3'
Protein context (NP_620689.1, residues 186-206): PPALDELGGP[Gly196Arg]GVTHPEERLG